The following is an entry in ClinVar:

ClinVar aggregate classification (germline): Uncertain significance (1 of 4 stars; one submission).

Submission:

GeneDx
Classification: Uncertain significance. Last evaluated: 2026-04-06. Review status: criteria provided, single submitter. Criteria: GeneDx Variant Classification Process June 2021. Collection method: clinical testing. Allele origin: germline.
Comment: Not observed at significant frequency in large population cohorts (gnomAD); In silico analysis supports that this missense variant has a deleterious effect on protein structure/function; Has not been previously published as pathogenic or benign to our knowledge

NM_153026.3(PRICKLE1):c.845C>T (p.Ala282Val)

Genes: PRICKLE1 (prickle planar cell polarity protein 1; minus strand), LOC126861509 (BRD4-independent group 4 enhancer GRCh37_chr12:42858567-42859766; plus strand). Cytogenetic location: 12q12.
Variant type: single nucleotide variant.
Coding change: c.845C>T on transcript NM_153026.3 (MANE Select); coding-DNA position 845, C replaced by T.
Protein change: p.Ala282Val; replaces alanine 282 with valine.
Molecular consequence: missense variant.
Genome position (GRCh38, 1-based): chr12:42,465,189, G>A on the plus strand (C>T on the coding strand, the complement: PRICKLE1 is on the minus strand). VCF-style: chr12-42465189-G-A. GRCh37 (hg19) VCF-style: chr12-42858991-G-A.
Other names: c.845C>T, p.Ala282Val (NM_001144881.2, NM_001144882.2, NM_001144883.2); short protein forms A282V.
Identifiers: ClinVar variation 1800839 (VCV001800839.2), dbSNP rs2503420433, ClinGen allele CA384443024.